The following is an entry in ClinVar:

NM_001244008.2(KIF1A):c.3645C>T (p.Pro1215=)

Gene: KIF1A (kinesin family member 1A; minus strand). Cytogenetic location: 2q37.3.
Variant type: single nucleotide variant.
Coding change: c.3645C>T on transcript NM_001244008.2 (MANE Select); coding-DNA position 3645, C replaced by T.
Protein change: p.Pro1215=; no amino-acid change (proline 1215 retained).
Molecular consequence: synonymous variant.
Genome position (GRCh38, 1-based): chr2:240,741,373, G>A on the plus strand (C>T on the coding strand, the complement: KIF1A is on the minus strand). VCF-style: chr2-240741373-G-A. GRCh37 (hg19) VCF-style: chr2-241680790-G-A.
Other names: c.3369C>T, p.Pro1123= (NM_001320705.2, NM_001330289.2, NM_001379638.1); c.3444C>T, p.Pro1148= (NM_001330290.2, NM_001379634.1, NM_001379635.1 and 1 more transcripts); c.3720C>T, p.Pro1240= (NM_001379631.1); c.3594C>T, p.Pro1198= (NM_001379632.1); c.3618C>T, p.Pro1206= (NM_001379633.1, NM_001379642.1, NM_001379645.1); c.3342C>T, p.Pro1114= (NM_001379636.1, NM_001379639.1, NM_001379641.1 and 5 more transcripts); c.3417C>T, p.Pro1139= (NM_001379637.1, NM_001379648.1); c.3339C>T, p.Pro1113= (NM_001379640.1); and 1 more.
Identifiers: ClinVar variation 1121963 (VCV001121963.11), dbSNP rs527460432, ClinGen allele CA2207711.

ClinVar aggregate classification (germline): Likely benign. Review status: criteria provided, single submitter (1 of 4 stars). 2 submissions from 2 submitters: Likely benign (1). 1 of the submissions does not count toward it. Last evaluated 2023-10-09.

Conditions:
KIF1A-related disorder. Also called: KIF1A-related disorders; KIF1A-related condition.
Neuropathy, hereditary sensory, type 2C. Also called: KIF1A-Related HSAN2 (HSAN2C); Hereditary sensory and autonomic neuropathy type IIC. Identifiers: Orphanet 970, MedGen C3280168, MONDO:0013634, OMIM 614213.
Intellectual disability, autosomal dominant 9 (NESCAVS). Also called: NESCAV SYNDROME; KIF1A-Related Neurodevelopmental Disorder. Identifiers: Orphanet 662367, MedGen C5393830, MONDO:0013656, OMIM 614255.
Hereditary spastic paraplegia 30. Identifiers: Orphanet 101010, MedGen C5235139, MONDO:0012476.

Allele frequency attached by ClinVar (database versions not stated): gnomAD exomes 0.00005 and 0.00002; ExAC 0.00012; 1000 Genomes Project 30x 0.00047; 1000 Genomes Project 0.00060; gnomAD 0.00001 and 0.00003; TOPMed 0.00001.
gnomAD v4.1: 39 of 1,565,254 alleles (0.0025%); highest among the groups gnomAD compares: South Asian, 0.036%; no homozygotes.

Submissions (2):

Labcorp Genetics (formerly Invitae), Labcorp
Classification: Likely benign for Hereditary spastic paraplegia 30; Neuropathy, hereditary sensory, type 2C; Intellectual disability, autosomal dominant 9. Last evaluated: 2023-10-09. Review status: criteria provided, single submitter. Criteria: Invitae Variant Classification Sherloc (09022015). Collection method: clinical testing. Allele origin: germline.

PreventionGenetics, part of Exact Sciences
Classification: Likely benign for KIF1A-related condition. Last evaluated: 2022-05-27. Review status: no assertion criteria provided. Collection method: clinical testing. Allele origin: germline. Not counted in ClinVar's aggregate classification.
Comment: This variant is classified as likely benign based on ACMG/AMP sequence variant interpretation guidelines (Richards et al. 2015 PMID: 25741868, with internal and published modifications).